The following is an entry in ClinVar:

NM_002693.3(POLG):c.995C>T (p.Ser332Phe)

Gene: POLG (DNA polymerase gamma, catalytic subunit; minus strand). Cytogenetic location: 15q26.1.
Variant type: single nucleotide variant.
Coding change: c.995C>T on transcript NM_002693.3 (MANE Select); coding-DNA position 995, C replaced by T.
Protein change: p.Ser332Phe; replaces serine 332 with phenylalanine.
Molecular consequence: missense variant.
Genome position (GRCh38, 1-based): chr15:89,328,971, G>A on the plus strand (C>T on the coding strand, the complement: POLG is on the minus strand). VCF-style: chr15-89328971-G-A. GRCh37 (hg19) VCF-style: chr15-89872202-G-A.
Other names: c.995C>T, p.Ser332Phe (NM_001126131.2); short protein forms S332F.
Identifiers: ClinVar variation 1354124 (VCV001354124.7), dbSNP rs1567192290, ClinGen allele CA393765447.

ClinVar aggregate classification (germline): Uncertain significance. Review status: criteria provided, multiple submitters, no conflicts (2 of 4 stars). 2 submissions from 2 submitters: Uncertain significance (2). Last evaluated 2026-02-03.

Conditions:
Mitochondrial DNA depletion syndrome 1. Also called: POLIP SYNDROME; POLYNEUROPATHY, OPHTHALMOPLEGIA, LEUKOENCEPHALOPATHY, AND INTESTINAL PSEUDOOBSTRUCTION; Mitochondrial Neurogastrointestinal Encephalopathy Disease; MITOCHONDRIAL NEUROGASTROINTESTINAL ENCEPHALOPATHY SYNDROME, TYMP-RELATED; MNGIE, TYMP-RELATED; Mitochondrial DNA depletion syndrome 1 (MNGIE type). Identifiers: Orphanet 298, MedGen C4551995, MONDO:0011283, OMIM 603041.
Progressive sclerosing poliodystrophy (MTDPS4A). Also called: NEURONAL DEGENERATION OF CHILDHOOD WITH LIVER DISEASE, PROGRESSIVE; Alpers Syndrome; ALPERS DIFFUSE DEGENERATION OF CEREBRAL GRAY MATTER WITH HEPATIC CIRRHOSIS; Alpers-Huttenlocher Syndrome; Mitochondrial DNA depletion syndrome 4A (Alpers type); Mitochondrial DNA Depletion Syndrome 4A. Identifiers: Orphanet 726, MedGen C0205710, MONDO:0008758, OMIM 203700.
Progressive external ophthalmoplegia with mitochondrial DNA deletions, autosomal dominant 1 (PEOA1). Also called: Autosomal Dominant Progressive External Ophthalmoplegia (adPEO); PROGRESSIVE EXTERNAL OPHTHALMOPLEGIA, AUTOSOMAL DOMINANT 1. Identifiers: MedGen C1834846, MONDO:0024528, OMIM 157640.
Mitochondrial DNA depletion syndrome 4b. Also called: MNGIE, POLG-RELATED; Mitochondrial Neurogastrointestinal Encephalopathy Disease, POLG-Related. Identifiers: Orphanet 298, MedGen C3150914, MONDO:0013350, OMIM 613662.
Sensory ataxic neuropathy, dysarthria, and ophthalmoparesis (SANDO). Also called: Ataxia Neuropathy Spectrum (ANS); Sensory ataxic neuropathy-dysarthria-ophthalmoparesis syndrome; Epilepsy, progressive myoclonic, type 5; SENSORY ATAXIC NEUROPATHY WITH MITOCHONDRIAL DNA DELETIONS, AUTOSOMAL RECESSIVE. Identifiers: Orphanet 70595, MedGen C1843851, MONDO:0011835, OMIM 607459.
Progressive external ophthalmoplegia with mitochondrial DNA deletions, autosomal recessive 1 (PEOB1). Also called: Progressive external ophthalmoplegia, autosomal recessive 1; Autosomal Recessive Progressive External Ophthalmoplegia (arPEO). Identifiers: Orphanet 254886, MedGen C4225153, MONDO:0009783, OMIM 258450.

Allele frequency attached by ClinVar (database versions not stated): gnomAD exomes below 0.00001 and 0.00001; gnomAD 0.00001.
gnomAD v4.1: 3 of 1,613,976 alleles (0.00019%); highest among the groups gnomAD compares: Non-Finnish European, 0.00017%; no homozygotes.

Submissions (2):

Labcorp Genetics (formerly Invitae), Labcorp
Classification: Uncertain significance for Progressive sclerosing poliodystrophy. Last evaluated: 2026-02-03. Review status: criteria provided, single submitter. Criteria: Invitae Variant Classification Sherloc (09022015). Collection method: clinical testing. Allele origin: germline.
Comment: This sequence change replaces serine, which is neutral and polar, with phenylalanine, which is neutral and non-polar, at codon 332 of the POLG protein (p.Ser332Phe). This variant is not present in population databases (gnomAD no frequency). This variant has not been reported in the literature in individuals affected with POLG-related conditions. ClinVar contains an entry for this variant (Variation ID: 1354124). Invitae Evidence Modeling of protein sequence and biophysical properties (such as structural, functional, and spatial information, amino acid conservation, physicochemical variation, residue mobility, and thermodynamic stability) indicates that this missense variant is not expected to disrupt POLG protein function with a negative predictive value of 95%. In summary, the available evidence is currently insufficient to determine the role of this variant in disease. Therefore, it has been classified as a Variant of Uncertain Significance.

Fulgent Genetics
Classification: Uncertain significance for Progressive external ophthalmoplegia with mitochondrial DNA deletions, autosomal dominant 1; Progressive sclerosing poliodystrophy; Progressive external ophthalmoplegia with mitochondrial DNA deletions, autosomal recessive 1; Mitochondrial DNA depletion syndrome 1; Sensory ataxic neuropathy, dysarthria, and ophthalmoparesis; Mitochondrial DNA depletion syndrome 4b. Last evaluated: 2021-09-19. Review status: criteria provided, single submitter. Criteria: ACMG Guidelines, 2015. Collection method: clinical testing. Allele origin: unknown.